The following is an entry in ClinVar:

NM_001042492.3(NF1):c.6147+3A>G

Gene: NF1 (neurofibromin 1; plus strand). Cytogenetic location: 17q11.2.
Variant type: single nucleotide variant.
Coding change: c.6147+3A>G on transcript NM_001042492.3 (MANE Select); 3 bases into the intron after coding-DNA position 6147, A replaced by G.
Molecular consequence: intron variant.
Genome position (GRCh38, 1-based): chr17:31,336,476, A>G. VCF-style: chr17-31336476-A-G. GRCh37 (hg19) VCF-style: chr17-29663494-A-G.
Other names: c.6084+3A>G (NM_000267.4).
Identifiers: ClinVar variation 863430 (VCV000863430.9), dbSNP rs1014307120, ClinGen allele CA289385916.

ClinVar aggregate classification (germline): Conflicting classifications of pathogenicity. Review status: criteria provided, conflicting classifications (1 of 4 stars). 2 submissions from 2 submitters: Uncertain significance (1); Likely benign (1). Last evaluated 2025-01-19.

Conditions:
Neurofibromatosis, type 1 (NF1). Also called: Neurofibromatosis, type I; VON RECKLINGHAUSEN DISEASE; Peripheral type neurofibromatosis; NEUROFIBROMATOSIS, TYPE I, SOMATIC. Identifiers: Orphanet 636, MedGen C0027831, MONDO:0018975, OMIM 162200. Disease mechanism: loss of function.
Hereditary cancer-predisposing syndrome. Also called: Tumor predisposition; Hereditary Cancer Syndrome; Neoplastic Syndromes, Hereditary; Hereditary neoplastic syndrome. Identifiers: Orphanet 140162, MedGen C0027672, MeSH D009386, MONDO:0015356.
Cardiovascular phenotype. Identifiers: MedGen CN230736.

Allele frequency attached by ClinVar (database versions not stated): TOPMed 0.00001.

Submissions (2):

Labcorp Genetics (formerly Invitae), Labcorp
Classification: Uncertain significance for Neurofibromatosis, type 1. Last evaluated: 2025-01-19. Review status: criteria provided, single submitter. Criteria: Invitae Variant Classification Sherloc (09022015). Collection method: clinical testing. Allele origin: germline.
Comment: This sequence change falls in intron 40 of the NF1 gene. It does not directly change the encoded amino acid sequence of the NF1 protein. It affects a nucleotide within the consensus splice site. This variant is not present in population databases (gnomAD no frequency). This variant has not been reported in the literature in individuals affected with NF1-related conditions. ClinVar contains an entry for this variant (Variation ID: 863430). Variants that disrupt the consensus splice site are a relatively common cause of aberrant splicing (PMID: 17576681, 9536098). Algorithms developed to predict the effect of sequence changes on RNA splicing suggest that this variant is not likely to affect RNA splicing. In summary, the available evidence is currently insufficient to determine the role of this variant in disease. Therefore, it has been classified as a Variant of Uncertain Significance.

Ambry Genetics
Classification: Likely benign for Cardiovascular phenotype; Hereditary cancer-predisposing syndrome. Last evaluated: 2023-05-03. Review status: criteria provided, single submitter. Criteria: Ambry Variant Classification Scheme 2023. Collection method: clinical testing. Allele origin: germline.

Literature cited by the submitters: PubMed 17576681 (cited by Labcorp Genetics (formerly Invitae), Labcorp); PubMed 9536098 (cited by Labcorp Genetics (formerly Invitae), Labcorp).